The following is an entry in ClinVar:

ClinVar aggregate classification (germline): Uncertain significance (1 of 4 stars; one submission).

Submission:

GeneDx
Classification: Uncertain significance. Last evaluated: 2024-04-15. Review status: criteria provided, single submitter. Criteria: GeneDx Variant Classification Process June 2021. Collection method: clinical testing. Allele origin: germline. Affected: yes.
Comment: Not observed at significant frequency in large population cohorts (gnomAD); In silico analysis indicates that this missense variant does not alter protein structure/function; Has not been previously published as pathogenic or benign to our knowledge

NM_207037.2(TCF12):c.928G>C (p.Ala310Pro)

Gene: TCF12 (transcription factor 12; plus strand). Cytogenetic location: 15q21.3.
Variant type: single nucleotide variant.
Coding change: c.928G>C on transcript NM_207037.2 (MANE Select); coding-DNA position 928, G replaced by C.
Protein change: p.Ala310Pro; replaces alanine 310 with proline.
Molecular consequence: missense variant.
Genome position (GRCh38, 1-based): chr15:57,232,814, G>C. VCF-style: chr15-57232814-G-C. GRCh37 (hg19) VCF-style: chr15-57525012-G-C.
Other names: c.418G>C, p.Ala140Pro (NM_001306219.3, NM_207040.2); c.220G>C, p.Ala74Pro (NM_001306220.3); c.928G>C, p.Ala310Pro (NM_001322151.2, NM_001322152.2, NM_001322157.3 and 7 more transcripts); c.271G>C, p.Ala91Pro (NM_001322154.2); c.754G>C, p.Ala252Pro (NM_001322156.2, NM_001322158.2); c.964G>C, p.Ala322Pro (NM_001322164.2); short protein forms A140P, A252P, A310P, A322P, A74P, A91P.
Identifiers: ClinVar variation 3372582 (VCV003372582.1).